The following is an entry in ClinVar:

NC_000018.9:g.(?_29598807)_(29625715_?)dup

Gene: RNF125 (ring finger protein 125; plus strand). Cytogenetic location: 18q12.1.
Variant type: Duplication.
Identifiers: ClinVar variation 1047553 (VCV001047553.5).

ClinVar aggregate classification (germline): Uncertain significance (1 of 4 stars; one submission).

Conditions:
Tenorio syndrome (TNORS). Also called: OVERGROWTH, MACROCEPHALY, AND INTELLECTUAL DISABILITY SYNDROME. Identifiers: MedGen C4015710, MONDO:0014553, OMIM 616260.

Submission:

Labcorp Genetics (formerly Invitae), Labcorp
Classification: Uncertain significance for Tenorio syndrome. Last evaluated: 2020-07-16. Review status: criteria provided, single submitter. Criteria: Invitae Variant Classification Sherloc (09022015). Collection method: clinical testing. Allele origin: germline.
Comment: In summary, the available evidence is currently insufficient to determine the role of this variant in disease. Therefore, it has been classified as a Variant of Uncertain Significance. Experimental studies and prediction algorithms are not available or were not evaluated, and the functional significance of this variant is currently unknown. This variant has not been reported in the literature in individuals with RNF125-related conditions. This variant results in a copy number gain of the genomic region encompassing exon(s) 1-4 of the RNF125 gene, which includes the initiator codon. The 5' end of this event is unknown as it extends beyond the assayed region for this gene and therefore may encompass additional genes. The 3' boundary is likely confined to intron 4 of the RNF125 gene. As the precise location of this event is unknown, it may be in tandem or it may be located elsewhere in the genome.